The following is an entry in ClinVar:

ClinVar aggregate classification (germline): Uncertain significance. Review status: criteria provided, multiple submitters, no conflicts (2 of 4 stars). 2 submissions from 2 submitters: Uncertain significance (2). Last evaluated 2026-07-13.

Conditions:
Neuroblastoma, susceptibility to, 3. Also called: ALK-Related Neuroblastic Tumor Susceptibility. Identifiers: Orphanet 635, MedGen C2751681, MONDO:0013083, OMIM 613014.
Hereditary cancer-predisposing syndrome. Also called: Hereditary Cancer Syndrome; Hereditary neoplastic syndrome; Neoplastic Syndromes, Hereditary; Tumor predisposition. Identifiers: Orphanet 140162, MedGen C0027672, MeSH D009386, MONDO:0015356.

gnomAD v4.1: 1 of 1,613,064 alleles (0.000062%); highest among the groups gnomAD compares: Non-Finnish European, 0.000085%; no homozygotes.

Submissions (2):

Ambry Genetics
Classification: Uncertain significance for Hereditary cancer-predisposing syndrome. Last evaluated: 2026-07-13. Review status: criteria provided, single submitter. Criteria: Ambry Variant Classification Scheme 2023. Collection method: clinical testing. Allele origin: germline.
Comment: The p.P61H variant (also known as c.182C>A), located in coding exon 1 of the ALK gene, results from a C to A substitution at nucleotide position 182. The proline at codon 61 is replaced by histidine, an amino acid with similar properties. This amino acid position is conserved. In addition, this alteration is predicted to be deleterious by in silico analysis. Based on the available evidence, the clinical significance of this variant remains unclear.

Labcorp Genetics (formerly Invitae), Labcorp
Classification: Uncertain significance for Neuroblastoma, susceptibility to, 3. Last evaluated: 2025-08-24. Review status: criteria provided, single submitter. Criteria: Invitae Variant Classification Sherloc (09022015). Collection method: clinical testing. Allele origin: germline.
Comment: This sequence change replaces proline, which is neutral and non-polar, with histidine, which is basic and polar, at codon 61 of the ALK protein (p.Pro61His). This variant is not present in population databases (gnomAD no frequency). This variant has not been reported in the literature in individuals affected with ALK-related conditions. An algorithm developed to predict the effect of missense changes on protein structure and function (PolyPhen-2) suggests that this variant is likely to be disruptive. In summary, the available evidence is currently insufficient to determine the role of this variant in disease. Therefore, it has been classified as a Variant of Uncertain Significance.

NM_004304.5(ALK):c.182C>A (p.Pro61His)

Gene: ALK (ALK receptor tyrosine kinase; minus strand). Cytogenetic location: 2p23.1.
Variant type: single nucleotide variant.
Coding change: c.182C>A on transcript NM_004304.5 (MANE Select); coding-DNA position 182, C replaced by A.
Protein change: p.Pro61His; replaces proline 61 with histidine.
Molecular consequence: missense variant.
Genome position (GRCh38, 1-based): chr2:29,920,478, G>T on the plus strand (C>A on the coding strand, the complement: ALK is on the minus strand). VCF-style: chr2-29920478-G-T. GRCh37 (hg19) VCF-style: chr2-30143344-G-T.
Other names: c.182C>A (NM_004304.4); short protein forms P61H.
Identifiers: ClinVar variation 4725949 (VCV004725949.2).
Genomic context (GRCh38, chr2:29,920,478, plus strand): 5'-TTCAGCTCCGAGGAGGATGGTGGCAGCAGTAGGTCCCGGGCGTAGACACGGAAGAGCGAG[G>T]GCACCACGAAGTCAACTGCCAGACTCTTCCTCTGCAGGCGCGAGTAGCTGAGTGGCTCCC-3'
Protein context (NP_004295.2, residues 51-71): RKSLAVDFVV[Pro61His]SLFRVYARDL